The following is an entry in ClinVar:

NM_024753.5(TTC21B):c.1795G>A (p.Gly599Arg)

Gene: TTC21B (tetratricopeptide repeat domain 21B; minus strand). Cytogenetic location: 2q24.3.
Variant type: single nucleotide variant.
Coding change: c.1795G>A on transcript NM_024753.5 (MANE Select); coding-DNA position 1795, G replaced by A.
Protein change: p.Gly599Arg; replaces glycine 599 with arginine.
Molecular consequence: missense variant.
Genome position (GRCh38, 1-based): chr2:165,917,361, C>T on the plus strand (G>A on the coding strand, the complement: TTC21B is on the minus strand). VCF-style: chr2-165917361-C-T. GRCh37 (hg19) VCF-style: chr2-166773871-C-T.
Other names: c.1795G>A (NM_024753.4); short protein forms G599R.
Identifiers: ClinVar variation 3463246 (VCV003463246.2).

ClinVar aggregate classification (germline): Uncertain significance. Review status: criteria provided, multiple submitters, no conflicts (2 of 4 stars). 2 submissions from 2 submitters: Uncertain significance (2). Last evaluated 2025-04-02.

Conditions:
TTC21B-related disorder. Also called: TTC21B-related disorders; TTC21B-related condition.
Inborn genetic diseases. Identifiers: MedGen C0950123, MeSH D030342.

gnomAD v4.1: 5 of 1,613,954 alleles (0.00031%); highest among the groups gnomAD compares: Middle Eastern, 0.016%; 1 homozygote.

Submissions (2):

PreventionGenetics, part of Exact Sciences
Classification: Uncertain significance for TTC21B-related condition. Last evaluated: 2025-04-02. Review status: criteria provided, single submitter. Criteria: ACMG Guidelines, 2015. Collection method: clinical testing. Allele origin: germline.
Comment: The TTC21B c.1795G>A variant is predicted to result in the amino acid substitution p.Gly599Arg. To our knowledge, this variant has not been reported in the literature or in a large population database (gnomAD), indicating this variant is rare. At this time, the clinical significance of this variant is uncertain due to the absence of conclusive functional and genetic evidence.

Ambry Genetics
Classification: Uncertain significance for Inborn genetic diseases. Last evaluated: 2024-06-28. Review status: criteria provided, single submitter. Criteria: Ambry Variant Classification Scheme 2023. Collection method: clinical testing. Allele origin: germline.